The following is an entry in ClinVar:

ClinVar aggregate classification (germline): Benign (1 of 4 stars; one submission).

Allele frequency attached by ClinVar (database versions not stated): 1000 Genomes Project 30x 0.00422; 1000 Genomes Project 0.00459; gnomAD 0.00511; TOPMed 0.00518; gnomAD exomes 0.00592; ESP Exome Variant Server 0.00659; ExAC 0.00666.

Submission:

CeGaT Center for Human Genetics Tuebingen
Classification: Benign. Last evaluated: 2022-08-01. Review status: criteria provided, single submitter. Criteria: CeGaT Center For Human Genetics Tuebingen Variant Classification Criteria Version 2. Collection method: clinical testing. Allele origin: germline. Affected: yes. Observed: 1 variant allele.
Comment: AHNAK2: BS1, BS2

NM_138420.4(AHNAK2):c.3372G>T (p.Val1124=)

Gene: AHNAK2 (AHNAK nucleoprotein 2; minus strand). Cytogenetic location: 14q32.33.
Variant type: single nucleotide variant.
Coding change: c.3372G>T on transcript NM_138420.4 (MANE Select); coding-DNA position 3372, G replaced by T.
Protein change: p.Val1124=; no amino-acid change (valine 1124 retained).
Molecular consequence: synonymous variant.
Genome position (GRCh38, 1-based): chr14:104,952,079, C>A on the plus strand (G>T on the coding strand, the complement: AHNAK2 is on the minus strand). VCF-style: chr14-104952079-C-A. GRCh37 (hg19) VCF-style: chr14-105418416-C-A.
Other names: c.3072G>T, p.Val1024= (NM_001350929.2).
Identifiers: ClinVar variation 2644855 (VCV002644855.24), dbSNP rs181067637, ClinGen allele CA7383078.